The following is an entry in ClinVar:

ClinVar aggregate classification (germline): Uncertain significance (1 of 4 stars; one submission).

gnomAD v4.1: 1 of 1,613,820 alleles (0.000062%); highest among the groups gnomAD compares: East Asian, 0.0022%; no homozygotes.

Submission:

GeneDx
Classification: Uncertain significance. Last evaluated: 2023-03-02. Review status: criteria provided, single submitter. Criteria: GeneDx Variant Classification Process June 2021. Collection method: clinical testing. Allele origin: germline. Affected: yes.
Comment: Not observed at significant frequency in large population cohorts (gnomAD); In silico analysis supports that this missense variant has a deleterious effect on protein structure/function; Has not been previously published as pathogenic or benign to our knowledge

NM_001365276.2(TNXB):c.8992G>T (p.Val2998Phe)

Gene: TNXB (tenascin XB; minus strand). Cytogenetic location: 6p21.33.
Variant type: single nucleotide variant.
Coding change: c.8992G>T on transcript NM_001365276.2 (MANE Select); coding-DNA position 8992, G replaced by T.
Protein change: p.Val2998Phe; replaces valine 2998 with phenylalanine.
Molecular consequence: missense variant.
Genome position (GRCh38, 1-based): chr6:32,052,793, C>A on the plus strand (G>T on the coding strand, the complement: TNXB is on the minus strand). VCF-style: chr6-32052793-C-A. GRCh37 (hg19) VCF-style: chr6-32020570-C-A.
Other names: c.8986G>T, p.Val2996Phe (NM_019105.8); short protein forms V2996F, V2998F.
Identifiers: ClinVar variation 2578189 (VCV002578189.1), dbSNP rs968632420, ClinGen allele CA363545199.